The following is an entry in ClinVar:

NM_001103.4(ACTN2):c.257A>C (p.Lys86Thr)

Gene: ACTN2 (actinin alpha 2; plus strand). Cytogenetic location: 1q43.
Variant type: single nucleotide variant.
Coding change: c.257A>C on transcript NM_001103.4 (MANE Select); coding-DNA position 257, A replaced by C.
Protein change: p.Lys86Thr; replaces lysine 86 with threonine.
Molecular consequence: missense variant. On other transcripts: non-coding transcript variant (1).
Genome position (GRCh38, 1-based): chr1:236,718,909, A>C. VCF-style: chr1-236718909-A-C. GRCh37 (hg19) VCF-style: chr1-236882209-A-C.
Other names: c.257A>C, p.Lys86Thr (NM_001278343.2); short protein forms K86T.
Identifiers: ClinVar variation 3484340 (VCV003484340.1).

ClinVar aggregate classification (germline): Uncertain significance (1 of 4 stars; one submission).

Conditions:
Cardiovascular phenotype. Identifiers: MedGen CN230736.

gnomAD v4.1: 1 of 1,614,212 alleles (0.000062%); highest among the groups gnomAD compares: Non-Finnish European, 0.000085%; no homozygotes.

Submission:

Ambry Genetics
Classification: Uncertain significance for Cardiovascular phenotype. Last evaluated: 2024-11-13. Review status: criteria provided, single submitter. Criteria: Ambry Variant Classification Scheme 2023. Collection method: clinical testing. Allele origin: germline.
Comment: The p.K86T variant (also known as c.257A>C), located in coding exon 3 of the ACTN2 gene, results from an A to C substitution at nucleotide position 257. The lysine at codon 86 is replaced by threonine, an amino acid with similar properties. This amino acid position is conserved. In addition, this alteration is predicted to be deleterious by in silico analysis. Based on the available evidence, the clinical significance of this variant remains unclear.